The following is an entry in ClinVar:

ClinVar aggregate classification (germline): Uncertain significance. Review status: criteria provided, multiple submitters, no conflicts (2 of 4 stars). 4 submissions from 4 submitters: Uncertain significance (4). Last evaluated 2025-12-13.

Conditions:
Familial cold autoinflammatory syndrome 3 (FCAS3). Also called: FAMILIAL ATYPICAL COLD URTICARIA; ANTIBODY DEFICIENCY AND IMMUNE DYSREGULATION, PLCG2-ASSOCIATED. Identifiers: Orphanet 300359, MedGen C3280914, MONDO:0013766, OMIM 614468.
Autoinflammation-PLCG2-associated antibody deficiency-immune dysregulation. Also called: Autoinflammation, antibody deficiency, and immune dysregulation, plcg2-associated; AUTOINFLAMMATION, ANTIBODY DEFICIENCY, AND IMMUNE DYSREGULATION; Autoinflammation, antibody deficiency, and immune dysregulation syndrome. Identifiers: Orphanet 324530, MedGen C3553961, MONDO:0013944, OMIM 614878.

Allele frequency attached by ClinVar (database versions not stated): ExAC 0.00002; gnomAD exomes 0.00003; gnomAD 0.00026; TOPMed 0.00054; 1000 Genomes Project 0.00080; 1000 Genomes Project 30x 0.00094.
gnomAD v4.1: 76 of 1,604,076 alleles (0.0047%); highest among the groups gnomAD compares: Admixed American, 0.1%; 1 homozygote.

Submissions (4):

Labcorp Genetics (formerly Invitae), Labcorp
Classification: Uncertain significance for Familial cold autoinflammatory syndrome 3. Last evaluated: 2025-12-13. Review status: criteria provided, single submitter. Criteria: Invitae Variant Classification Sherloc (09022015). Collection method: clinical testing. Allele origin: germline.
Comment: This sequence change replaces aspartic acid, which is acidic and polar, with histidine, which is basic and polar, at codon 754 of the PLCG2 protein (p.Asp754His). This variant is present in population databases (rs190001915, gnomAD 0.006%). This variant has not been reported in the literature in individuals affected with PLCG2-related conditions. ClinVar contains an entry for this variant (Variation ID: 952025). An algorithm developed to predict the effect of missense changes on protein structure and function (PolyPhen-2) suggests that this variant is likely to be disruptive. In summary, the available evidence is currently insufficient to determine the role of this variant in disease. Therefore, it has been classified as a Variant of Uncertain Significance.

Fulgent Genetics
Classification: Uncertain significance for Familial cold autoinflammatory syndrome 3; Autoinflammation-PLCG2-associated antibody deficiency-immune dysregulation. Last evaluated: 2022-02-24. Review status: criteria provided, single submitter. Criteria: ACMG Guidelines, 2015. Collection method: clinical testing. Allele origin: unknown.

Breakthrough Genomics
Classification: Uncertain significance. Review status: criteria provided, single submitter. Criteria: ACMG Guidelines, 2015. Collection method: not provided. Allele origin: germline. Inheritance: Autosomal dominant inheritance. Affected: yes.

Center for Genomics, Ann and Robert H. Lurie Children's Hospital of Chicago
Classification: Uncertain significance for Autoinflammation-PLCG2-associated antibody deficiency-immune dysregulation; Familial cold autoinflammatory syndrome 3. Review status: criteria provided, single submitter. Criteria: ACMG Guidelines, 2015. Collection method: clinical testing. Allele origin: germline.
Comment: This variant has not been reported in the literature but is present in the Genome Aggregation Database (Highest reported MAF 0.2% [39/15214] including 1 homozygote). This variant is present in ClinVar (Variation ID: 952025). Evolutionary conservation for this variant is unclear on the predicted impact to the protein; computational prediction tools suggest that this variant may not impact the protein. In summary, data on this variant is insufficient for disease classification. Therefore, the clinical significance of this variant is uncertain.

NM_002661.5(PLCG2):c.2260G>C (p.Asp754His)

Gene: PLCG2 (phospholipase C gamma 2; plus strand). Cytogenetic location: 16q23.3.
Variant type: single nucleotide variant.
Coding change: c.2260G>C on transcript NM_002661.5 (MANE Select); coding-DNA position 2260, G replaced by C.
Protein change: p.Asp754His; replaces aspartic acid 754 with histidine.
Molecular consequence: missense variant.
Genome position (GRCh38, 1-based): chr16:81,921,222, G>C. VCF-style: chr16-81921222-G-C. GRCh37 (hg19) VCF-style: chr16-81954827-G-C.
Other names: short protein forms D754H.
Identifiers: ClinVar variation 952025 (VCV000952025.10), dbSNP rs190001915, ClinGen allele CA8194158.